The following is an entry in ClinVar:

ClinVar aggregate classification (germline): Uncertain significance (1 of 4 stars; one submission).

Conditions:
Inborn genetic diseases. Identifiers: MedGen C0950123, MeSH D030342.

gnomAD v4.1: 1 of 1,612,298 alleles (0.000062%); no homozygotes.

Submission:

Ambry Genetics
Classification: Uncertain significance for Inborn genetic diseases. Last evaluated: 2025-10-24. Review status: criteria provided, single submitter. Criteria: Ambry Variant Classification Scheme 2023. Collection method: clinical testing. Allele origin: germline.
Comment: The c.602G>T (p.G201V) alteration is located in exon 4 (coding exon 3) of the VANGL2 gene. This alteration results from a G to T substitution at nucleotide position 602, causing the glycine (G) at amino acid position 201 to be replaced by a valine (V). Based on data from gnomAD, the T allele has an overall frequency of <0.001% (1/250368) total alleles studied. The highest observed frequency was 0.001% (1/113752) of European (non-Finnish) alleles. Based on insufficient or conflicting evidence, the clinical significance of this alteration remains unclear.

NM_020335.3(VANGL2):c.602G>T (p.Gly201Val)

Gene: VANGL2 (VANGL planar cell polarity protein 2; plus strand). Cytogenetic location: 1q23.2.
Variant type: single nucleotide variant.
Coding change: c.602G>T on transcript NM_020335.3 (MANE Select); coding-DNA position 602, G replaced by T.
Protein change: p.Gly201Val; replaces glycine 201 with valine.
Molecular consequence: missense variant.
Genome position (GRCh38, 1-based): chr1:160,419,411, G>T. VCF-style: chr1-160419411-G-T. GRCh37 (hg19) VCF-style: chr1-160389201-G-T.
Other names: short protein forms G201V.
Identifiers: ClinVar variation 4634303 (VCV004634303.1).